The following is an entry in ClinVar:

ClinVar aggregate classification (germline): Uncertain significance (1 of 4 stars; one submission).

Conditions:
RYR1-related myopathy. Identifiers: Orphanet 98742, MedGen CN305348, MONDO:0100150.

Submission:

Genetics and Molecular Pathology, SA Pathology
Classification: Uncertain significance for RYR1-related myopathy. Last evaluated: 2019-07-19. Review status: criteria provided, single submitter. Criteria: ACMG Guidelines, 2015. Collection method: clinical testing. Allele origin: germline. Affected: yes.
Comment: Computational data predicts the variant is damaging and is absent from population databases. Not reported in the scientific literature.

NM_000540.3(RYR1):c.9257A>T (p.Glu3086Val)

Gene: RYR1 (ryanodine receptor 1; plus strand). Cytogenetic location: 19q13.2.
Variant type: single nucleotide variant.
Coding change: c.9257A>T on transcript NM_000540.3 (MANE Select); coding-DNA position 9257, A replaced by T.
Protein change: p.Glu3086Val; replaces glutamic acid 3086 with valine.
Molecular consequence: missense variant.
Genome position (GRCh38, 1-based): chr19:38,512,268, A>T. VCF-style: chr19-38512268-A-T. GRCh37 (hg19) VCF-style: chr19-39002908-A-T.
Other names: c.9257A>T, p.Glu3086Val (NM_001042723.2); short protein forms E3086V.
Identifiers: ClinVar variation 1803165 (VCV001803165.1), dbSNP rs2514405572, ClinGen allele CA405686154.